The following is an entry in ClinVar:

ClinVar aggregate classification (germline): Pathogenic/Likely pathogenic. Review status: criteria provided, multiple submitters, no conflicts (2 of 4 stars). 3 submissions from 3 submitters: Pathogenic (1); Likely pathogenic (2). Last evaluated 2024-02-17.

Conditions:
Walker-Warburg congenital muscular dystrophy. Also called: Muscular dystrophy-dystroglycanopathy, type A; Walker-Warburg syndrome. Identifiers: Orphanet 899, MedGen C0265221, MONDO:0000171.
Autosomal recessive limb-girdle muscular dystrophy type 2K. Also called: MUSCULAR DYSTROPHY, LIMB-GIRDLE, TYPE 2K; MUSCULAR DYSTROPHY-DYSTROGLYCANOPATHY (LIMB-GIRDLE), TYPE C, 1. Identifiers: Orphanet 86812, MedGen C1836373, MONDO:0012248, OMIM 609308.
Muscular dystrophy-dystroglycanopathy (congenital with impaired intellectual development), type B, 1. Also called: MUSCULAR DYSTROPHY, CONGENITAL, POMT1-RELATED; Muscular dystrophy-dystroglycanopathy (congenital with intellectual disability), type B1. Identifiers: MedGen C5436962, MONDO:0013159, OMIM 613155.
Muscular dystrophy-dystroglycanopathy (congenital with brain and eye anomalies), type A1 (MDDGA1). Also called: WALKER-WARBURG SYNDROME OR MUSCLE-EYE-BRAIN DISEASE, POMT1-RELATED; Hydrocephalus, agyria and retinal dysplasia; Hard +/- E syndrome; Warburg syndrome; Chemke syndrome; Pagon syndrome. Identifiers: Orphanet 588, Orphanet 899, MedGen C4284790, MONDO:0009364, OMIM 236670.
Autosomal recessive limb-girdle muscular dystrophy. Identifiers: Orphanet 102015, MedGen C2931907, MONDO:0015152.

Submissions (3):

Labcorp Genetics (formerly Invitae), Labcorp
Classification: Pathogenic for Muscular dystrophy-dystroglycanopathy (congenital with impaired intellectual development), type B, 1; Walker-Warburg congenital muscular dystrophy; Autosomal recessive limb-girdle muscular dystrophy type 2K. Last evaluated: 2024-02-17. Review status: criteria provided, single submitter. Criteria: Invitae Variant Classification Sherloc (09022015). Collection method: clinical testing. Allele origin: germline.
Comment: This sequence change creates a premature translational stop signal (p.Val703Leufs*24) in the POMT1 gene. While this is not anticipated to result in nonsense mediated decay, it is expected to disrupt the last 45 amino acid(s) of the POMT1 protein. This variant is not present in population databases (gnomAD no frequency). This variant has not been reported in the literature in individuals affected with POMT1-related conditions. ClinVar contains an entry for this variant (Variation ID: 1343631). This variant disrupts a region of the POMT1 protein in which other variant(s) (p.Asp723Glyfs*8) have been determined to be pathogenic (PMID: 12369018, 16575835, 17559086, 22323514, 24304607, 24491487). This suggests that this is a clinically significant region of the protein, and that variants that disrupt it are likely to be disease-causing. For these reasons, this variant has been classified as Pathogenic.

Baylor Genetics
Classification: Likely pathogenic for Muscular dystrophy-dystroglycanopathy (congenital with brain and eye anomalies), type A1. Last evaluated: 2024-01-21. Review status: criteria provided, single submitter. Criteria: ACMG Guidelines, 2015. Collection method: clinical testing. Allele origin: unknown.

Women's Health and Genetics/Laboratory Corporation of America, LabCorp
Classification: Likely pathogenic for Autosomal recessive limb-girdle muscular dystrophy. Last evaluated: 2022-02-18. Review status: criteria provided, single submitter. Criteria: LabCorp Variant Classification Summary - May 2015. Collection method: clinical testing. Allele origin: germline.
Comment: Variant summary: POMT1 c.2106_2116del11 (p.Val703LeufsX24) results in a premature termination codon, predicted to cause a truncation of the encoded protein or absence of the protein due to nonsense mediated decay, which are commonly known mechanisms for disease. Truncations downstream of this position have not been observed at our laboratory but have been reported in association with Walker-Warburg Syndrome and other POMT1 associated phenotypes in the HGMD/LOVD databases. The variant was absent in 232498 control chromosomes. c.2106_2116del11 has been reported in the literature as a homozygous genotype in at-least one individual affected with Walker-Warburg Syndrome (example, Beltran-Valero de Bernabe_2002) and has subsequently been cited by numerous authors without primary evidence (example, Balci_2005, Currier_2005, Akasaka-Manya_2006, can Reeuwijk_2006, Akasaka-Manya_2004). These data indicate that the variant may be associated with disease. To our knowledge, no variant specific experimental evidence demonstrating an impact on protein function has been reported. No clinical diagnostic laboratories have submitted clinical-significance assessments for this variant to ClinVar after 2014. Based on the evidence outlined above, the variant was classified as likely pathogenic.

Literature cited by the submitters: PubMed 12369018 (cited by Labcorp Genetics (formerly Invitae), Labcorp and Women's Health and Genetics/Laboratory Corporation of America, LabCorp); PubMed 16575835 (cited by Labcorp Genetics (formerly Invitae), Labcorp); PubMed 17559086 (cited by Labcorp Genetics (formerly Invitae), Labcorp); PubMed 22323514 (cited by Labcorp Genetics (formerly Invitae), Labcorp); PubMed 24304607 (cited by Labcorp Genetics (formerly Invitae), Labcorp); PubMed 24491487 (cited by Labcorp Genetics (formerly Invitae), Labcorp); PubMed 15522202 (cited by Women's Health and Genetics/Laboratory Corporation of America, LabCorp); PubMed 16698797 (cited by Women's Health and Genetics/Laboratory Corporation of America, LabCorp); PubMed 15792865 (cited by Women's Health and Genetics/Laboratory Corporation of America, LabCorp); PubMed 15637732 (cited by Women's Health and Genetics/Laboratory Corporation of America, LabCorp); PubMed 15733261 (cited by Women's Health and Genetics/Laboratory Corporation of America, LabCorp).

NM_001077365.2(POMT1):c.2040_2050del (p.Val681fs)

Gene: POMT1 (protein O-mannosyltransferase 1; plus strand). Cytogenetic location: 9q34.13.
Variant type: Deletion.
Coding change: c.2040_2050del on transcript NM_001077365.2 (MANE Select); coding-DNA positions 2040 to 2050, 11 bases deleted (GGTGGCCTGGT).
Protein change: p.Val681fs; shifts the reading frame from valine 681.
Molecular consequence: frameshift variant. On other transcripts: non-coding transcript variant (10).
Genome position (GRCh38, 1-based): chr9:131,522,968-131,522,978, GGTGGCCTGGT deleted; deleting any 11 consecutive bases within chr9:131,522,962-131,522,978 gives the same sequence; the c. name uses the placement nearest the transcript's 3' end. VCF-style (leftmost placement, unchanged base first): chr9-131522961-CCCTGGTGGTGG-C. GRCh37 (hg19) VCF-style: chr9-134398348-CCCTGGTGGTGG-C.
Other names: c.1878_1888del, p.Val627fs (NM_001077366.2, NM_001353194.2); c.2040_2050del, p.Val681fs (NM_001136113.2); c.1689_1699del, p.Val564fs (NM_001136114.2, NM_001353195.2, NM_001374691.1 and 2 more transcripts); c.2106_2116del, p.Val703fs (NM_001353193.2, NM_007171.4); c.1950_1960del, p.Val651fs (NM_001353196.2); c.1944_1954del, p.Val649fs (NM_001353197.2, NM_001353198.2); c.1755_1765del, p.Val586fs (NM_001353199.2); c.1584_1594del, p.Val529fs (NM_001353200.2); and 3 more; short protein forms V529fs, V551fs, V564fs, V586fs, V608fs, V627fs, V649fs, V651fs.
Identifiers: ClinVar variation 1343631 (VCV001343631.9), dbSNP rs1950265792, ClinGen allele CA1881759992.